The following is an entry in ClinVar:

NM_000535.7(PMS2):c.416A>G (p.His139Arg)

Gene: PMS2 (PMS1 homolog 2, mismatch repair system component; minus strand). Cytogenetic location: 7p22.1.
Variant type: single nucleotide variant.
Coding change: c.416A>G on transcript NM_000535.7 (MANE Select); coding-DNA position 416, A replaced by G.
Protein change: p.His139Arg; replaces histidine 139 with arginine.
Molecular consequence: missense variant. On other transcripts: 5 prime UTR variant (2), non-coding transcript variant (1).
Genome position (GRCh38, 1-based): chr7:6,002,574, T>C on the plus strand (A>G on the coding strand, the complement: PMS2 is on the minus strand). VCF-style: chr7-6002574-T-C. GRCh37 (hg19) VCF-style: chr7-6042205-T-C.
Other names: c.11A>G, p.His4Arg (NM_001322003.2, NM_001322004.2, NM_001322005.2 and 3 more transcripts); c.416A>G, p.His139Arg (NM_001322006.2, NM_001322014.2); c.98A>G, p.His33Arg (NM_001322007.2, NM_001322008.2); c.-469A>G (NM_001322011.2, NM_001322012.2); c.107A>G, p.His36Arg (NM_001322015.2); c.416A>G (NM_000535.6); short protein forms H139R, H4R, H33R, H36R.
Identifiers: ClinVar variation 229687 (VCV000229687.12), dbSNP rs876658142, ClinGen allele CA10578714.

ClinVar aggregate classification (germline): Uncertain significance. Review status: criteria provided, multiple submitters, no conflicts (2 of 4 stars). 4 submissions from 4 submitters: Uncertain significance (4). Last evaluated 2025-03-25.

Conditions:
Hereditary nonpolyposis colorectal neoplasms. Identifiers: MedGen C0009405, MeSH D003123.
Hereditary cancer-predisposing syndrome. Also called: Hereditary neoplastic syndrome; Hereditary Cancer Syndrome; Neoplastic Syndromes, Hereditary; Tumor predisposition. Identifiers: Orphanet 140162, MedGen C0027672, MeSH D009386, MONDO:0015356.
Lynch syndrome. Identifiers: Orphanet 144, MedGen C4552100, MONDO:0005835. Disease mechanism: loss of function.

Allele frequency attached by ClinVar (database versions not stated): gnomAD exomes below 0.00001.

Submissions (4):

Quest Diagnostics Nichols Institute San Juan Capistrano
Classification: Uncertain significance. Last evaluated: 2025-03-25. Review status: criteria provided, single submitter. Criteria: Quest Diagnostics criteria. Collection method: clinical testing. Allele origin: unknown.
Comment: The PMS2 c.416A>G (p.His139Arg) variant has not been reported in individuals with PMS2-related conditions in the published literature. It also has not been reported in large, multi-ethnic general populations (Genome Aggregation Database). Analysis of this variant using bioinformatics tools for the prediction of the effect of amino acid changes on protein structure and function yielded predictions that this variant is damaging. Based on the available information, we are unable to determine the clinical significance of this variant.

Labcorp Genetics (formerly Invitae), Labcorp
Classification: Uncertain significance for Hereditary nonpolyposis colorectal neoplasms. Last evaluated: 2024-09-06. Review status: criteria provided, single submitter. Criteria: Invitae Variant Classification Sherloc (09022015). Collection method: clinical testing. Allele origin: germline.
Comment: This sequence change replaces histidine, which is basic and polar, with arginine, which is basic and polar, at codon 139 of the PMS2 protein (p.His139Arg). This variant is not present in population databases (gnomAD no frequency). This variant has not been reported in the literature in individuals affected with PMS2-related conditions. ClinVar contains an entry for this variant (Variation ID: 229687). Invitae Evidence Modeling of protein sequence and biophysical properties (such as structural, functional, and spatial information, amino acid conservation, physicochemical variation, residue mobility, and thermodynamic stability) has been performed for this missense variant. However, the output from this modeling did not meet the statistical confidence thresholds required to predict the impact of this variant on PMS2 protein function. In summary, the available evidence is currently insufficient to determine the role of this variant in disease. Therefore, it has been classified as a Variant of Uncertain Significance.

All of Us Research Program, National Institutes of Health
Classification: Uncertain significance for Lynch syndrome. Last evaluated: 2023-05-31. Review status: criteria provided, single submitter. Criteria: ACMG Guidelines, 2015. Collection method: clinical testing. Allele origin: germline. Inheritance: Autosomal dominant inheritance. Observed: 1 variant allele, 1 heterozygote.
Comment: This study involves interpretation of variants in research participants for the purpose of population health screening. Participant phenotype was not available at the time of variant classification. Additional details can be found in publication PMID: 35346344, PMCID: PMC8962531

Ambry Genetics
Classification: Uncertain significance for Hereditary cancer-predisposing syndrome. Last evaluated: 2020-10-13. Review status: criteria provided, single submitter. Criteria: Ambry Variant Classification Scheme 2023. Collection method: clinical testing. Allele origin: germline.
Comment: The p.H139R variant (also known as c.416A>G), located in coding exon 5 of the PMS2 gene, results from an A to G substitution at nucleotide position 416. The histidine at codon 139 is replaced by arginine, an amino acid with highly similar properties. Based on protein sequence alignment, this amino acid position is highly conserved in available vertebrate species. In addition, the in silico prediction for this alteration is inconclusive. Since supporting evidence is limited at this time, the clinical significance of this alteration remains unclear.